The following is an entry in ClinVar:

NM_000038.6(APC):c.3476C>A (p.Pro1159Gln)

Gene: APC (APC regulator of Wnt signaling pathway; plus strand). Cytogenetic location: 5q22.2.
Variant type: single nucleotide variant.
Coding change: c.3476C>A on transcript NM_000038.6 (MANE Select); coding-DNA position 3476, C replaced by A.
Protein change: p.Pro1159Gln; replaces proline 1159 with glutamine.
Molecular consequence: missense variant.
Genome position (GRCh38, 1-based): chr5:112,839,070, C>A. VCF-style: chr5-112839070-C-A. GRCh37 (hg19) VCF-style: chr5-112174767-C-A.
Other names: c.3476C>A, p.Pro1159Gln (NM_001354895.2, NM_001127510.3); c.3422C>A, p.Pro1141Gln (NM_001127511.3); c.3530C>A, p.Pro1177Gln (NM_001354896.2); c.3506C>A, p.Pro1169Gln (NM_001354897.2); c.3401C>A, p.Pro1134Gln (NM_001354898.2); c.3392C>A, p.Pro1131Gln (NM_001354899.2); c.3353C>A, p.Pro1118Gln (NM_001354900.2); c.3299C>A, p.Pro1100Gln (NM_001354901.2); and 5 more; short protein forms P1159Q, P1141Q, P1131Q, P1177Q, P999Q, P1033Q, P1068Q, P1100Q.
Identifiers: ClinVar variation 629977 (VCV000629977.8), dbSNP rs1554085046, ClinGen allele CA16028962.
Genomic context (GRCh38, chr5:112,839,070, plus strand): 5'-AGCCTACCAATTATAGTGAACGTTACTCTGAAGAAGAACAGCATGAAGAAGAAGAGAGAC[C>A]AACAAATTATAGCATAAAATATAATGAAGAGAAACGTCATGTGGATCAGCCTATTGATTA-3'
Protein context (NP_000029.2, residues 1149-1169): EEEQHEEEER[Pro1159Gln]TNYSIKYNEE

ClinVar aggregate classification (germline): Uncertain significance. Review status: criteria provided, multiple submitters, no conflicts (2 of 4 stars). 3 submissions from 3 submitters: Uncertain significance (3). Last evaluated 2024-12-25.

Conditions:
Hereditary cancer-predisposing syndrome. Also called: Neoplastic Syndromes, Hereditary; Tumor predisposition; Hereditary neoplastic syndrome; Hereditary Cancer Syndrome. Identifiers: Orphanet 140162, MedGen C0027672, MeSH D009386, MONDO:0015356.
Familial adenomatous polyposis 1 (FAP1). Also called: POLYPOSIS, ADENOMATOUS INTESTINAL; FAMILIAL ADENOMATOUS POLYPOSIS 1, ATTENUATED. Identifiers: MedGen C2713442, MONDO:0021056, OMIM 175100. Disease mechanism: loss of function.

Submissions (3):

Ambry Genetics
Classification: Uncertain significance for Hereditary cancer-predisposing syndrome. Last evaluated: 2024-12-25. Review status: criteria provided, single submitter. Criteria: Ambry Variant Classification Scheme 2023. Collection method: clinical testing. Allele origin: germline.
Comment: The p.P1159Q variant (also known as c.3476C>A), located in coding exon 15 of the APC gene, results from a C to A substitution at nucleotide position 3476. The proline at codon 1159 is replaced by glutamine, an amino acid with similar properties. This amino acid position is conserved. In addition, in silico predictors for this gene do not accurately predict pathogenicity. Based on the available evidence, the clinical significance of this variant remains unclear.

Labcorp Genetics (formerly Invitae), Labcorp
Classification: Uncertain significance for Familial adenomatous polyposis 1. Last evaluated: 2024-04-06. Review status: criteria provided, single submitter. Criteria: Invitae Variant Classification Sherloc (09022015). Collection method: clinical testing. Allele origin: germline.
Comment: This sequence change replaces proline, which is neutral and non-polar, with glutamine, which is neutral and polar, at codon 1159 of the APC protein (p.Pro1159Gln). This variant is not present in population databases (gnomAD no frequency). This variant has not been reported in the literature in individuals affected with APC-related conditions. ClinVar contains an entry for this variant (Variation ID: 629977). Advanced modeling of protein sequence and biophysical properties (such as structural, functional, and spatial information, amino acid conservation, physicochemical variation, residue mobility, and thermodynamic stability) performed at Invitae indicates that this missense variant is not expected to disrupt APC protein function with a negative predictive value of 95%. In summary, the available evidence is currently insufficient to determine the role of this variant in disease. Therefore, it has been classified as a Variant of Uncertain Significance.

Color Diagnostics, LLC DBA Color Health
Classification: Uncertain significance for Hereditary cancer-predisposing syndrome. Last evaluated: 2023-12-05. Review status: criteria provided, single submitter. Criteria: ACMG Guidelines, 2015. Collection method: clinical testing. Allele origin: germline.
Comment: This missense variant replaces proline with glutamine at codon 1159 of the APC protein. Computational prediction suggests that this variant may not impact protein structure and function (internally defined REVEL score threshold <= 0.5, PMID: 27666373). To our knowledge, functional studies have not been reported for this variant. This variant has not been reported in individuals affected with APC-related disorders in the literature. This variant has not been identified in the general population by the Genome Aggregation Database (gnomAD). The available evidence is insufficient to determine the role of this variant in disease conclusively. Therefore, this variant is classified as a Variant of Uncertain Significance.